The following is an entry in ClinVar:

ClinVar aggregate classification (germline): Uncertain significance. Review status: criteria provided, multiple submitters, no conflicts (2 of 4 stars). 2 submissions from 2 submitters: Uncertain significance (2). Last evaluated 2024-06-18.

Conditions:
Nephronophthisis. Also called: Juvenile Nephronophthisis. Identifiers: Orphanet 655, MedGen C0687120, MONDO:0019005, HP:0000090.
Senior-Loken syndrome 4 (SLSN4). Identifiers: Orphanet 3156, MedGen C1846979, MONDO:0011756, OMIM 606996.
Nephronophthisis 4 (NPHP4). Also called: NEPHRONOPHTHISIS 4, JUVENILE. Identifiers: Orphanet 655, MedGen C1847013, MONDO:0011752, OMIM 606966.

Allele frequency attached by ClinVar (database versions not stated): TOPMed below 0.00001; gnomAD 0.00001.
gnomAD v4.1: 6 of 1,612,114 alleles (0.00037%); highest among the groups gnomAD compares: African/African-American, 0.0027%; no homozygotes.

Submissions (2):

Fulgent Genetics
Classification: Uncertain significance for Nephronophthisis 4; Senior-Loken syndrome 4. Last evaluated: 2024-06-18. Review status: criteria provided, single submitter. Criteria: ACMG Guidelines, 2015. Collection method: clinical testing. Allele origin: germline.

Labcorp Genetics (formerly Invitae), Labcorp
Classification: Uncertain significance for Nephronophthisis. Last evaluated: 2022-02-20. Review status: criteria provided, single submitter. Criteria: Invitae Variant Classification Sherloc (09022015). Collection method: clinical testing. Allele origin: germline.
Comment: In summary, the available evidence is currently insufficient to determine the role of this variant in disease. Therefore, it has been classified as a Variant of Uncertain Significance. Algorithms developed to predict the effect of missense changes on protein structure and function are either unavailable or do not agree on the potential impact of this missense change (SIFT: "Deleterious"; PolyPhen-2: "Probably Damaging"; Align-GVGD: "Class C0"). ClinVar contains an entry for this variant (Variation ID: 1037099). This variant has not been reported in the literature in individuals affected with NPHP4-related conditions. This variant is not present in population databases (gnomAD no frequency). This sequence change replaces valine, which is neutral and non-polar, with methionine, which is neutral and non-polar, at codon 828 of the NPHP4 protein (p.Val828Met).

NM_015102.5(NPHP4):c.2482G>A (p.Val828Met)

Gene: NPHP4 (nephrocystin 4; minus strand). Cytogenetic location: 1p36.31.
Variant type: single nucleotide variant.
Coding change: c.2482G>A on transcript NM_015102.5 (MANE Select); coding-DNA position 2482, G replaced by A.
Protein change: p.Val828Met; replaces valine 828 with methionine.
Molecular consequence: missense variant. On other transcripts: non-coding transcript variant (1).
Genome position (GRCh38, 1-based): chr1:5,887,289, C>T on the plus strand (G>A on the coding strand, the complement: NPHP4 is on the minus strand). VCF-style: chr1-5887289-C-T. GRCh37 (hg19) VCF-style: chr1-5947349-C-T.
Other names: c.943G>A, p.Val315Met (NM_001291593.2); c.946G>A, p.Val316Met (NM_001291594.2); short protein forms V315M, V316M, V828M.
Identifiers: ClinVar variation 1037099 (VCV001037099.7), dbSNP rs774129927, ClinGen allele CA338058527.